The following is an entry in ClinVar:

ClinVar aggregate classification (germline): Pathogenic (1 of 4 stars; one submission).

Conditions:
Werner syndrome (WRN). Identifiers: Orphanet 902, MedGen C0043119, MONDO:0010196, OMIM 277700.

Submission:

Labcorp Genetics (formerly Invitae), Labcorp
Classification: Pathogenic for Werner syndrome. Last evaluated: 2023-03-29. Review status: criteria provided, single submitter. Criteria: Invitae Variant Classification Sherloc (09022015). Collection method: clinical testing. Allele origin: germline.
Comment: This sequence change creates a premature translational stop signal (p.Leu1106Phefs*8) in the WRN gene. It is expected to result in an absent or disrupted protein product. Loss-of-function variants in WRN are known to be pathogenic (PMID: 16673358). This variant is not present in population databases (gnomAD no frequency). This variant has not been reported in the literature in individuals affected with WRN-related conditions. ClinVar contains an entry for this variant (Variation ID: 2141398). RNA analysis performed to evaluate the impact of this premature translational stop signal on mRNA splicing indicates it does not significantly alter splicing (Invitae). For these reasons, this variant has been classified as Pathogenic.

Literature cited by the submitters: PubMed 16673358.

NM_000553.6(WRN):c.3317dup (p.Leu1106fs)

Gene: WRN (WRN RecQ like helicase; plus strand). Cytogenetic location: 8p12.
Variant type: Duplication.
Coding change: c.3317dup on transcript NM_000553.6 (MANE Select); coding-DNA position 3317, one base duplicated (T; older notation c.3317dupT).
Protein change: p.Leu1106fs; shifts the reading frame from leucine 1106.
Molecular consequence: frameshift variant.
Genome position (GRCh38, 1-based): chr8:31,143,557, T duplicated; the last of 2 consecutive T bases (chr8:31,143,556-31,143,557); duplicating either gives the same sequence. VCF-style (leftmost placement, unchanged base first): chr8-31143555-C-CT. GRCh37 (hg19) VCF-style: chr8-31001071-C-CT.
Other names: short protein forms L1106fs.
Identifiers: ClinVar variation 2141398 (VCV002141398.4), dbSNP rs2536035606, ClinGen allele CA2579137995.
Genomic context (GRCh38, chr8:31,143,555, plus strand): 5'-CATTTAAAAGTTTTTTGAAACTTTTTTTAATGGACCTTTATATGTTTAAATGCAGTCTAA[C>CT]TTGGAGAAGTTATATTCTTATAAACCATGTGATAAGATTTCTTCTGGGAGTAACATTTCT-3'